The following is an entry in ClinVar:

NM_172364.5(CACNA2D4):c.1886_1887insCTTTCAGG (p.Leu630fs)

Gene: CACNA2D4 (calcium voltage-gated channel auxiliary subunit alpha2delta 4; minus strand). Cytogenetic location: 12p13.33.
Variant type: Insertion.
Coding change: c.1886_1887insCTTTCAGG on transcript NM_172364.5 (MANE Select); coding-DNA positions 1886 to 1887, CTTTCAGG inserted.
Protein change: p.Leu630fs; shifts the reading frame from leucine 630.
Molecular consequence: frameshift variant.
Genome position: GRCh38 VCF-style: chr12-1860198-A-ACCTGAAAG. GRCh37 (hg19) VCF-style: chr12-1969364-A-ACCTGAAAG.
Other names: short protein forms L630fs.
Identifiers: ClinVar variation 3612857 (VCV003612857.2).

ClinVar aggregate classification (germline): Uncertain significance (1 of 4 stars; one submission).

Submission:

Labcorp Genetics (formerly Invitae), Labcorp
Classification: Uncertain significance. Last evaluated: 2024-09-22. Review status: criteria provided, single submitter. Criteria: Invitae Variant Classification Sherloc (09022015). Collection method: clinical testing. Allele origin: germline.
Comment: This sequence change creates a premature translational stop signal (p.Leu630Phefs*6) in the CACNA2D4 gene. It is expected to result in an absent or disrupted protein product. However, the current clinical and genetic evidence is not sufficient to establish whether loss-of-function variants in CACNA2D4 cause disease. This variant is not present in population databases (gnomAD no frequency). This variant has not been reported in the literature in individuals affected with CACNA2D4-related conditions. In summary, the available evidence is currently insufficient to determine the role of this variant in disease. Therefore, it has been classified as a Variant of Uncertain Significance.